The following is an entry in ClinVar:

NM_001256789.3(CACNA1F):c.4445T>G (p.Leu1482Arg)

Gene: CACNA1F (calcium voltage-gated channel subunit alpha1 F; minus strand). Cytogenetic location: Xp11.23.
Variant type: single nucleotide variant.
Coding change: c.4445T>G on transcript NM_001256789.3 (MANE Select); coding-DNA position 4445, T replaced by G.
Protein change: p.Leu1482Arg; replaces leucine 1482 with arginine.
Molecular consequence: missense variant.
Genome position (GRCh38, 1-based): chrX:49,210,630, A>C on the plus strand (T>G on the coding strand, the complement: CACNA1F is on the minus strand). VCF-style: chrX-49210630-A-C. GRCh37 (hg19) VCF-style: chrX-49067090-A-C.
Other names: c.4283T>G, p.Leu1428Arg (NM_001256790.3); c.4478T>G, p.Leu1493Arg (NM_005183.4); short protein forms L1493R, L1482R, L1428R.
Identifiers: ClinVar variation 3651136 (VCV003651136.2).

ClinVar aggregate classification (germline): Uncertain significance (1 of 4 stars; one submission).

Submission:

Labcorp Genetics (formerly Invitae), Labcorp
Classification: Uncertain significance. Last evaluated: 2024-04-25. Review status: criteria provided, single submitter. Criteria: Invitae Variant Classification Sherloc (09022015). Collection method: clinical testing. Allele origin: germline.
Comment: This sequence change replaces leucine, which is neutral and non-polar, with arginine, which is basic and polar, at codon 1493 of the CACNA1F protein (p.Leu1493Arg). This variant is not present in population databases (gnomAD no frequency). This variant has not been reported in the literature in individuals affected with CACNA1F-related conditions. Advanced modeling of protein sequence and biophysical properties (such as structural, functional, and spatial information, amino acid conservation, physicochemical variation, residue mobility, and thermodynamic stability) performed at Invitae indicates that this missense variant is expected to disrupt CACNA1F protein function with a positive predictive value of 80%. In summary, the available evidence is currently insufficient to determine the role of this variant in disease. Therefore, it has been classified as a Variant of Uncertain Significance.